The following is an entry in ClinVar:

NM_022489.4(INF2):c.2399T>G (p.Leu800Arg)

Gene: INF2 (inverted formin 2; plus strand). Cytogenetic location: 14q32.33.
Variant type: single nucleotide variant.
Coding change: c.2399T>G on transcript NM_022489.4 (MANE Select); coding-DNA position 2399, T replaced by G.
Protein change: p.Leu800Arg; replaces leucine 800 with arginine.
Molecular consequence: missense variant.
Genome position (GRCh38, 1-based): chr14:104,711,167, T>G. VCF-style: chr14-104711167-T-G. GRCh37 (hg19) VCF-style: chr14-105177504-T-G.
Other names: c.2399T>G, p.Leu800Arg (NM_001031714.4); short protein forms L800R.
Identifiers: ClinVar variation 835036 (VCV000835036.9), dbSNP rs1890029024, ClinGen allele CA391221226.

ClinVar aggregate classification (germline): Uncertain significance (1 of 4 stars; one submission).

Conditions:
Charcot-Marie-Tooth disease dominant intermediate E. Also called: CHARCOT-MARIE-TOOTH NEUROPATHY WITH FOCAL SEGMENTAL GLOMERULONEPHRITIS. Identifiers: Orphanet 93114, MedGen C4302667, MONDO:0013758, OMIM 614455.
Focal segmental glomerulosclerosis 5 (FSGS5). Identifiers: Orphanet 656, MedGen C2750475, MONDO:0013191, OMIM 613237.

Submission:

Labcorp Genetics (formerly Invitae), Labcorp
Classification: Uncertain significance for Charcot-Marie-Tooth disease dominant intermediate E; Focal segmental glomerulosclerosis 5. Last evaluated: 2019-12-08. Review status: criteria provided, single submitter. Criteria: Invitae Variant Classification Sherloc (09022015). Collection method: clinical testing. Allele origin: germline.
Comment: In summary, the available evidence is currently insufficient to determine the role of this variant in disease. Therefore, it has been classified as a Variant of Uncertain Significance. This variant has not been reported in the literature in individuals with INF2-related conditions. This variant is not present in population databases (ExAC no frequency). This sequence change replaces leucine with arginine at codon 800 of the INF2 protein (p.Leu800Arg). The leucine residue is highly conserved and there is a moderate physicochemical difference between leucine and arginine.